The following is an entry in ClinVar:

NM_000548.5(TSC2):c.84C>T (p.Pro28=)

Gene: TSC2 (TSC complex subunit 2; plus strand). Cytogenetic location: 16p13.3.
Variant type: single nucleotide variant.
Coding change: c.84C>T on transcript NM_000548.5 (MANE Select); coding-DNA position 84, C replaced by T.
Protein change: p.Pro28=; no amino-acid change (proline 28 retained).
Molecular consequence: synonymous variant. On other transcripts: 5 prime UTR variant (19), non-coding transcript variant (5), intron variant (6).
Genome position (GRCh38, 1-based): chr16:2,048,699, C>T. VCF-style: chr16-2048699-C-T. GRCh37 (hg19) VCF-style: chr16-2098700-C-T.
Other names: c.84C>T, p.Pro28= (NM_001077183.3, NM_021055.3, NM_001114382.3 and 13 more transcripts); c.-143C>T (NM_001406685.1, NM_001406688.1, NM_001318831.2 and 2 more transcripts); c.-733C>T (NM_001406687.1, NM_001406680.1, NM_001406683.1); c.-1348C>T (NM_001406689.1, NM_001406690.1, NM_001406691.1 and 2 more transcripts); c.-1654C>T (NM_001406693.1); c.-1229C>T (NM_001406694.1, NM_001406695.1); c.-1336C>T (NM_001406696.1); c.-1524C>T (NM_001406698.1); and 4 more.
Identifiers: ClinVar variation 4071281 (VCV004071281.1).

ClinVar aggregate classification (germline): Benign (1 of 4 stars; one submission).

Conditions:
Tuberous sclerosis 2 (TSC2). Identifiers: Orphanet 805, MedGen C1860707, MONDO:0013199, OMIM 613254.

gnomAD v4.1: 1 of 1,614,062 alleles (0.000062%); highest among the groups gnomAD compares: South Asian, 0.0011%; no homozygotes.

Submission:

Myriad Genetics, Inc.
Classification: Benign for Tuberous sclerosis 2. Last evaluated: 2025-04-30. Review status: criteria provided, single submitter. Criteria: Myriad Autosomal Dominant, Autosomal Recessive and X-Linked Classification Criteria (2023). Collection method: clinical testing. Allele origin: unknown.
Comment: This variant is considered benign. This variant is a silent/synonymous amino acid change and it is not expected to impact splicing.